The following is an entry in ClinVar:

NM_024598.4(USB1):c.449+5G>C

Gene: USB1 (U6 snRNA biogenesis phosphodiesterase 1; plus strand). Cytogenetic location: 16q21.
Variant type: single nucleotide variant.
Coding change: c.449+5G>C on transcript NM_024598.4 (MANE Select); 5 bases into the intron after coding-DNA position 449, G replaced by C.
Molecular consequence: intron variant.
Genome position (GRCh38, 1-based): chr16:58,010,117, G>C. VCF-style: chr16-58010117-G-C. GRCh37 (hg19) VCF-style: chr16-58044021-G-C.
Other names: c.296+5G>C (NM_001330568.2); c.449+5G>C (NM_001195302.2, NM_001204911.2, NM_001330569.2).
Identifiers: ClinVar variation 2185100 (VCV002185100.2), dbSNP rs531481981, ClinGen allele CA8084902.

ClinVar aggregate classification (germline): Uncertain significance (1 of 4 stars; one submission).

Allele frequency attached by ClinVar (database versions not stated): gnomAD 0.00001; gnomAD exomes 0.00001; ExAC 0.00003; 1000 Genomes Project 0.00020; 1000 Genomes Project 30x 0.00031.
gnomAD v4.1: 15 of 1,613,928 alleles (0.00093%); highest among the groups gnomAD compares: South Asian, 0.013%; 1 homozygote.

Submission:

Labcorp Genetics (formerly Invitae), Labcorp
Classification: Uncertain significance. Last evaluated: 2024-03-29. Review status: criteria provided, single submitter. Criteria: Invitae Variant Classification Sherloc (09022015). Collection method: clinical testing. Allele origin: germline.
Comment: This sequence change falls in intron 3 of the USB1 gene. It does not directly change the encoded amino acid sequence of the USB1 protein. It affects a nucleotide within the consensus splice site. This variant is present in population databases (rs531481981, gnomAD 0.02%). This variant has not been reported in the literature in individuals affected with USB1-related conditions. ClinVar contains an entry for this variant (Variation ID: 2185100). Variants that disrupt the consensus splice site are a relatively common cause of aberrant splicing (PMID: 17576681, 9536098). Algorithms developed to predict the effect of sequence changes on RNA splicing suggest that this variant is not likely to affect RNA splicing. In summary, the available evidence is currently insufficient to determine the role of this variant in disease. Therefore, it has been classified as a Variant of Uncertain Significance.

Literature cited by the submitters: PubMed 17576681; PubMed 9536098.